The following is an entry in ClinVar:

NM_153676.4(USH1C):c.877-2A>C

Gene: USH1C (USH1 protein network component harmonin; minus strand). Cytogenetic location: 11p15.1.
Variant type: single nucleotide variant.
Coding change: c.877-2A>C on transcript NM_153676.4 (MANE Select); the canonical splice acceptor site of the intron before coding-DNA position 877, A replaced by C.
Molecular consequence: splice acceptor variant.
Genome position (GRCh38, 1-based): chr11:17,522,928, T>G on the plus strand (A>C on the coding strand, the complement: USH1C is on the minus strand). VCF-style: chr11-17522928-T-G. GRCh37 (hg19) VCF-style: chr11-17544475-T-G.
Other names: c.820-2A>C (NM_001297764.2); c.877-2A>C (NM_005709.4).
Identifiers: ClinVar variation 2760636 (VCV002760636.3), dbSNP rs2497156629, ClinGen allele CA379788637.

ClinVar aggregate classification (germline): Likely pathogenic (1 of 4 stars; one submission).

Submission:

Labcorp Genetics (formerly Invitae), Labcorp
Classification: Likely pathogenic. Last evaluated: 2023-09-27. Review status: criteria provided, single submitter. Criteria: Invitae Variant Classification Sherloc (09022015). Collection method: clinical testing. Allele origin: germline.
Comment: In summary, the currently available evidence indicates that the variant is pathogenic, but additional data are needed to prove that conclusively. Therefore, this variant has been classified as Likely Pathogenic. Algorithms developed to predict the effect of sequence changes on RNA splicing suggest that this variant may disrupt the consensus splice site. This sequence change affects an acceptor splice site in intron 11 of the USH1C gene. It is expected to disrupt RNA splicing. Variants that disrupt the donor or acceptor splice site typically lead to a loss of protein function (PMID: 16199547), and loss-of-function variants in USH1C are known to be pathogenic (PMID: 10973247, 17407589, 20301442, 21203349). This variant is not present in population databases (gnomAD no frequency). This variant has not been reported in the literature in individuals affected with USH1C-related conditions.

Literature cited by the submitters: PubMed 16199547; PubMed 10973247; PubMed 17407589; PubMed 20301442; PubMed 21203349.